The following is an entry in ClinVar:

NM_002519.3(NPAT):c.2548A>G (p.Ile850Val)

Gene: NPAT (nuclear protein, coactivator of histone transcription; minus strand). Cytogenetic location: 11q22.3.
Variant type: single nucleotide variant.
Coding change: c.2548A>G on transcript NM_002519.3 (MANE Select); coding-DNA position 2548, A replaced by G.
Protein change: p.Ile850Val; replaces isoleucine 850 with valine.
Molecular consequence: missense variant.
Genome position (GRCh38, 1-based): chr11:108,172,436, T>C on the plus strand (A>G on the coding strand, the complement: NPAT is on the minus strand). VCF-style: chr11-108172436-T-C. GRCh37 (hg19) VCF-style: chr11-108043163-T-C.
Other names: c.2548A>G, p.Ile850Val (NM_001321307.1); short protein forms I850V.
Identifiers: ClinVar variation 1338708 (VCV001338708.10), dbSNP rs140098074, ClinGen allele CA6263795.
Genomic context (GRCh38, chr11:108,172,436, plus strand): 5'-TAGCTATCAGAATGTTATTTGAATTGCCAAAAGCTGTGCTTGTGGCTGGCATCAACTGTA[T>C]ATATCCTCCATCCTTGGAAACACATGGTGTAACATTAGCTGAAAAAGCAATGCCATCTTC-3'
Protein context (NP_002510.2, residues 840-860): TPCVSKDGGY[Ile850Val]QLMPATSTAF

ClinVar aggregate classification (germline): Conflicting classifications of pathogenicity. Review status: criteria provided, conflicting classifications (1 of 4 stars). 3 submissions from 3 submitters: Uncertain significance (2); Likely benign (1). Last evaluated 2025-11-23.

Allele frequency attached by ClinVar (database versions not stated): ExAC 0.00027; ESP Exome Variant Server 0.00033; TOPMed 0.00033; gnomAD exomes 0.00035 and 0.00078; gnomAD 0.00039 and 0.00041; 1000 Genomes Project 0.00040; 1000 Genomes Project 30x 0.00047.

Submissions (3):

Labcorp Genetics (formerly Invitae), Labcorp
Classification: Uncertain significance. Last evaluated: 2025-11-23. Review status: criteria provided, single submitter. Criteria: Invitae Variant Classification Sherloc (09022015). Collection method: clinical testing. Allele origin: germline.
Comment: This sequence change replaces isoleucine, which is neutral and non-polar, with valine, which is neutral and non-polar, at codon 850 of the NPAT protein (p.Ile850Val). This variant is present in population databases (rs140098074, gnomAD 0.07%), and has an allele count higher than expected for a pathogenic variant. This variant has not been reported in the literature in individuals affected with NPAT-related conditions. ClinVar contains an entry for this variant (Variation ID: 1338708). An algorithm developed to predict the effect of missense changes on protein structure and function (PolyPhen-2) suggests that this variant is likely to be disruptive. In summary, the available evidence is currently insufficient to determine the role of this variant in disease. Therefore, it has been classified as a Variant of Uncertain Significance.

Ambry Genetics
Classification: Uncertain significance. Last evaluated: 2022-09-24. Review status: criteria provided, single submitter. Criteria: Ambry Variant Classification Scheme 2023. Collection method: clinical testing. Allele origin: germline.
Comment: The p.I850V variant (also known as c.2548A>G), located in coding exon 13 of the NPAT gene, results from an A to G substitution at nucleotide position 2548. The isoleucine at codon 850 is replaced by valine, an amino acid with highly similar properties. This amino acid position is conserved. In addition, this alteration is predicted to be tolerated by in silico analysis. Since supporting evidence is limited at this time, the clinical significance of this alteration remains unclear.

Genetic Services Laboratory, University of Chicago
Classification: Likely benign. Last evaluated: 2021-05-19. Review status: criteria provided, single submitter. Criteria: ACMG Guidelines, 2015. Collection method: clinical testing. Allele origin: germline. Affected: no.